The following is an entry in ClinVar:

ClinVar aggregate classification (germline): Likely pathogenic (1 of 4 stars; one submission).

Conditions:
Sulfite oxidase deficiency due to molybdenum cofactor deficiency type A. Also called: Molybdenum Cofactor Deficiency A; Molybdenum cofactor deficiency, complementation group A. Identifiers: Orphanet 308386, Orphanet 833, MedGen C1854988, MONDO:0009643, OMIM 252150.

Submission:

Labcorp Genetics (formerly Invitae), Labcorp
Classification: Likely pathogenic for Sulfite oxidase deficiency due to molybdenum cofactor deficiency type A. Last evaluated: 2021-09-03. Review status: criteria provided, single submitter. Criteria: Invitae Variant Classification Sherloc (09022015). Collection method: clinical testing. Allele origin: germline.
Comment: In summary, the currently available evidence indicates that the variant is pathogenic, but additional data are needed to prove that conclusively. Therefore, this variant has been classified as Likely Pathogenic. This variant has not been reported in the literature in individuals affected with MOCS1-related conditions. This variant results in a copy number gain of the genomic region encompassing exon(s) 2 of the MOCS1 gene. While the exact position of this variant cannot be determined from the data, sub-genic copy number gains are generally in tandem (PMID: 25640679). This variant is predicted to be out-of-frame, and may result in an absent or disrupted protein product. Loss-of-function variants in MOCS1 are known to be pathogenic (PMID: 12754701, 16021469).

Literature cited by the submitters: PubMed 25640679; PubMed 12754701; PubMed 16021469.

NC_000006.11:g.(?_39895048)_(39895317_?)dup

Gene: MOCS1 (molybdenum cofactor synthesis 1; minus strand). Cytogenetic location: 6p21.2.
Variant type: Duplication.
Identifiers: ClinVar variation 1501899 (VCV001501899.4).